The following is an entry in ClinVar:

NM_002972.4(SBF1):c.1762G>A (p.Val588Met)

Gene: SBF1 (SET binding factor 1; minus strand). Cytogenetic location: 22q13.33.
Variant type: single nucleotide variant.
Coding change: c.1762G>A on transcript NM_002972.4 (MANE Select); coding-DNA position 1762, G replaced by A.
Protein change: p.Val588Met; replaces valine 588 with methionine.
Molecular consequence: missense variant.
Genome position (GRCh38, 1-based): chr22:50,463,420, C>T on the plus strand (G>A on the coding strand, the complement: SBF1 is on the minus strand). VCF-style: chr22-50463420-C-T. GRCh37 (hg19) VCF-style: chr22-50901849-C-T.
Other names: c.1765G>A, p.Val589Met (NM_001365819.1); short protein forms V588M, V589M.
Identifiers: ClinVar variation 1493341 (VCV001493341.5), dbSNP rs762703258, ClinGen allele CA10317520.
Genomic context (GRCh38, chr22:50,463,420, plus strand): 5'-GCAGGTGCAGCTCCTGGGCGAGGCAGCGGCGGGCAGCTCGCCCCTTCAGGGCCCTCAACA[C>T]GGCTGGGAGCAGCTGGGGGTGGGGAAAGGAGACACGGGCTGAGGGCACAGAGAAGACCCA-3'
Protein context (NP_002963.2, residues 578-598): MLEAKKLLPA[Val588Met]LRALKGRAAR

ClinVar aggregate classification (germline): Uncertain significance (1 of 4 stars; one submission).

Allele frequency attached by ClinVar (database versions not stated): gnomAD exomes 0.00001 and 0.00002; ExAC 0.00003.
gnomAD v4.1: 8 of 1,575,666 alleles (0.00051%); highest among the groups gnomAD compares: Middle Eastern, 0.017%; no homozygotes.

Submission:

Labcorp Genetics (formerly Invitae), Labcorp
Classification: Uncertain significance. Last evaluated: 2021-08-22. Review status: criteria provided, single submitter. Criteria: Invitae Variant Classification Sherloc (09022015). Collection method: clinical testing. Allele origin: germline.
Comment: In summary, the available evidence is currently insufficient to determine the role of this variant in disease. Therefore, it has been classified as a Variant of Uncertain Significance. Algorithms developed to predict the effect of missense changes on protein structure and function are either unavailable or do not agree on the potential impact of this missense change (SIFT: "Deleterious"; PolyPhen-2: "Probably Damaging"; Align-GVGD: "Class C0"). This variant has not been reported in the literature in individuals affected with SBF1-related conditions. This variant is present in population databases (rs762703258, ExAC 0.04%). This sequence change replaces valine with methionine at codon 588 of the SBF1 protein (p.Val588Met). The valine residue is highly conserved and there is a small physicochemical difference between valine and methionine.